The following is an entry in ClinVar:

NM_006059.4(LAMC3):c.4273C>T (p.Arg1425Cys)

Gene: LAMC3 (laminin subunit gamma 3; plus strand). Cytogenetic location: 9q34.12.
Variant type: single nucleotide variant.
Coding change: c.4273C>T on transcript NM_006059.4 (MANE Select); coding-DNA position 4273, C replaced by T.
Protein change: p.Arg1425Cys; replaces arginine 1425 with cysteine.
Molecular consequence: missense variant.
Genome position (GRCh38, 1-based): chr9:131,087,518, C>T. VCF-style: chr9-131087518-C-T. GRCh37 (hg19) VCF-style: chr9-133962905-C-T.
Other names: short protein forms R1425C.
Identifiers: ClinVar variation 1512819 (VCV001512819.5), dbSNP rs1830351933, ClinGen allele CA375265244.

ClinVar aggregate classification (germline): Uncertain significance (1 of 4 stars; one submission).

Submission:

Labcorp Genetics (formerly Invitae), Labcorp
Classification: Uncertain significance. Last evaluated: 2022-11-01. Review status: criteria provided, single submitter. Criteria: Invitae Variant Classification Sherloc (09022015). Collection method: clinical testing. Allele origin: germline.
Comment: This sequence change replaces arginine, which is basic and polar, with cysteine, which is neutral and slightly polar, at codon 1425 of the LAMC3 protein (p.Arg1425Cys). This variant is not present in population databases (gnomAD no frequency). This variant has not been reported in the literature in individuals affected with LAMC3-related conditions. ClinVar contains an entry for this variant (Variation ID: 1512819). Algorithms developed to predict the effect of missense changes on protein structure and function are either unavailable or do not agree on the potential impact of this missense change (SIFT: "Tolerated"; PolyPhen-2: "Possibly Damaging"; Align-GVGD: "Class C0"). In summary, the available evidence is currently insufficient to determine the role of this variant in disease. Therefore, it has been classified as a Variant of Uncertain Significance.